The following is an entry in ClinVar:

NM_000268.4(NF2):c.675+1G>A

Gene: NF2 (NF2, moesin-ezrin-radixin like (MERLIN) tumor suppressor; plus strand). Cytogenetic location: 22q12.2.
Variant type: single nucleotide variant.
Coding change: c.675+1G>A on transcript NM_000268.4 (MANE Select); the canonical splice donor site of the intron after coding-DNA position 675, G replaced by A.
Molecular consequence: splice donor variant. On other transcripts: intron variant (1).
Genome position (GRCh38, 1-based): chr22:29,658,265, G>A. VCF-style: chr22-29658265-G-A. GRCh37 (hg19) VCF-style: chr22-30054254-G-A.
Other names: c.552+1G>A (NM_181829.3, NM_001407054.1, NM_001407062.1 and 1 more transcripts); c.549+1G>A (NM_181828.3, NM_001407055.1); c.426+1G>A (NM_001407063.1, NM_181830.3, NM_001407064.1 and 1 more transcripts); c.675+1G>A (NM_001407066.1, NM_181825.3, NM_001407060.1 and 4 more transcripts); c.447+15980G>A (NM_181833.3); c.561+1G>A (NM_001407056.1, NM_001407053.1); c.444+1G>A (NM_001407067.1); c.141+1G>A (NM_001407065.1).
Identifiers: ClinVar variation 577678 (VCV000577678.7), dbSNP rs1555994854, ClinGen allele CA411143137.

ClinVar aggregate classification (germline): Likely pathogenic (1 of 4 stars; one submission).

Conditions:
Neurofibromatosis, type 2 (SWNV). Also called: NF2-Related Schwannomatosis; BILATERAL ACOUSTIC NEUROFIBROMATOSIS; SCHWANNOMATOSIS, VESTIBULAR. Identifiers: Orphanet 637, MedGen C0027832, MONDO:0007039, OMIM 101000. Disease mechanism: loss of function.

Submission:

Labcorp Genetics (formerly Invitae), Labcorp
Classification: Likely pathogenic for Neurofibromatosis, type 2. Last evaluated: 2018-06-09. Review status: criteria provided, single submitter. Criteria: Invitae Variant Classification Sherloc (09022015). Collection method: clinical testing. Allele origin: germline.
Comment: This sequence change affects a donor splice site in intron 7 of the NF2 gene. It is expected to disrupt RNA splicing and likely results in an absent or disrupted protein product. This variant is not present in population databases (ExAC no frequency). In summary, the currently available evidence indicates that the variant is pathogenic, but additional data are needed to prove that conclusively. Therefore, this variant has been classified as Likely Pathogenic. Donor and acceptor splice site variants typically lead to a loss of protein function (PMID: 16199547), and loss-of-function variants in NF2 are known to be pathogenic (PMID: 9643284, 16983642). This variant has not been reported in the literature in individuals with NF2-related disease.

Literature cited by the submitters: PubMed 16199547; PubMed 9643284; PubMed 16983642.